The following is an entry in ClinVar:

ClinVar aggregate classification (germline): Pathogenic (1 of 4 stars; one submission).

Conditions:
Alkaptonuria (AKU). Also called: Alcaptonuria; HOMOGENTISIC ACID OXIDASE DEFICIENCY; Homogentisic acidura; Alkaptonuric ochronosis. Identifiers: Orphanet 56, MedGen C0002066, MONDO:0008753, OMIM 203500.

Submission:

Labcorp Genetics (formerly Invitae), Labcorp
Classification: Pathogenic for Alkaptonuria. Last evaluated: 2025-11-25. Review status: criteria provided, single submitter. Criteria: Invitae Variant Classification Sherloc (09022015). Collection method: clinical testing. Allele origin: germline.
Comment: This sequence change affects the initiator codon of the HGD mRNA. This change may impact translation initiation or efficiency. The next in-frame methionine is located at codon 142. This variant is not present in population databases (gnomAD no frequency). Disruption of the initiator codon has been observed in individual(s) with alkaptonuria (PMID: 33621656). This variant disrupts a region of the HGD protein in which other variant(s) (p.Leu4Ser) have been determined to be pathogenic (PMID: 2501223, 16085442, 19862842; internal data). This suggests that this is a clinically significant region of the protein, and that variants that disrupt it are likely to be disease-causing. For these reasons, this variant has been classified as Pathogenic.

Literature cited by the submitters: PubMed 33621656; PubMed 2501223; PubMed 16085442; PubMed 19862842.

NM_000187.4(HGD):c.2T>C (p.Met1Thr)

Gene: HGD (homogentisate 1,2-dioxygenase; minus strand). Cytogenetic location: 3q13.33.
Variant type: single nucleotide variant.
Coding change: c.2T>C on transcript NM_000187.4 (MANE Select); coding-DNA position 2, T replaced by C.
Protein change: p.Met1Thr; changes the start codon (methionine 1).
Molecular consequence: missense variant, initiator codon variant.
Genome position (GRCh38, 1-based): chr3:120,682,110, A>G on the plus strand (T>C on the coding strand, the complement: HGD is on the minus strand). VCF-style: chr3-120682110-A-G. GRCh37 (hg19) VCF-style: chr3-120400957-A-G.
Other names: short protein forms M1T.
Identifiers: ClinVar variation 4731936 (VCV004731936.1).